The following is an entry in ClinVar:

ClinVar aggregate classification (germline): Uncertain significance. Review status: criteria provided, multiple submitters, no conflicts (2 of 4 stars). 3 submissions from 3 submitters: Uncertain significance (3). Last evaluated 2024-10-09.

Conditions:
Inborn genetic diseases. Identifiers: MedGen C0950123, MeSH D030342.

Allele frequency attached by ClinVar (database versions not stated): gnomAD exomes 0.00002 and 0.00003; ExAC 0.00003; gnomAD 0.00015 and 0.00016; 1000 Genomes Project 30x 0.00016; TOPMed 0.00017; 1000 Genomes Project 0.00020.
gnomAD v4.1: 56 of 1,613,342 alleles (0.0035%); highest among the groups gnomAD compares: African/African-American, 0.068%; no homozygotes.

Submissions (3):

Ambry Genetics
Classification: Uncertain significance for Inborn genetic diseases. Last evaluated: 2024-10-09. Review status: criteria provided, single submitter. Criteria: Ambry Variant Classification Scheme 2023. Collection method: clinical testing. Allele origin: germline.

Blueprint Genetics
Classification: Uncertain significance. Last evaluated: 2023-02-14. Review status: criteria provided, single submitter. Criteria: ACMG Guidelines, 2015. Collection method: clinical testing. Allele origin: germline.

Labcorp Genetics (formerly Invitae), Labcorp
Classification: Uncertain significance. Last evaluated: 2022-10-17. Review status: criteria provided, single submitter. Criteria: Invitae Variant Classification Sherloc (09022015). Collection method: clinical testing. Allele origin: germline.
Comment: This sequence change replaces isoleucine, which is neutral and non-polar, with valine, which is neutral and non-polar, at codon 189 of the MERTK protein (p.Ile189Val). This variant is present in population databases (rs201529080, gnomAD 0.05%). This variant has not been reported in the literature in individuals affected with MERTK-related conditions. ClinVar contains an entry for this variant (Variation ID: 935337). Advanced modeling of protein sequence and biophysical properties (such as structural, functional, and spatial information, amino acid conservation, physicochemical variation, residue mobility, and thermodynamic stability) performed at Invitae indicates that this missense variant is not expected to disrupt MERTK protein function. In summary, the available evidence is currently insufficient to determine the role of this variant in disease. Therefore, it has been classified as a Variant of Uncertain Significance.

NM_006343.3(MERTK):c.565A>G (p.Ile189Val)

Gene: MERTK (MER proto-oncogene, tyrosine kinase; plus strand). Cytogenetic location: 2q13.
Variant type: single nucleotide variant.
Coding change: c.565A>G on transcript NM_006343.3 (MANE Select); coding-DNA position 565, A replaced by G.
Protein change: p.Ile189Val; replaces isoleucine 189 with valine.
Molecular consequence: missense variant.
Genome position (GRCh38, 1-based): chr2:111,945,042, A>G. VCF-style: chr2-111945042-A-G. GRCh37 (hg19) VCF-style: chr2-112702619-A-G.
Other names: short protein forms I189V.
Identifiers: ClinVar variation 935337 (VCV000935337.7), dbSNP rs201529080, ClinGen allele CA1831084.